The following is an entry in ClinVar:

ClinVar aggregate classification (germline): Conflicting classifications of pathogenicity. Review status: criteria provided, conflicting classifications (1 of 4 stars). 4 submissions from 4 submitters: Uncertain significance (1); Benign (1); Likely benign (1). 1 of the submissions does not count toward it. Last evaluated 2026-01-19.

Conditions:
Hennekam lymphangiectasia-lymphedema syndrome 2 (HKLLS2). Identifiers: Orphanet 2136, MedGen C4014939, MONDO:0014454, OMIM 616006.
FAT4-related disorder. Also called: FAT4-related condition.

Allele frequency attached by ClinVar (database versions not stated): TOPMed 0.00012; gnomAD exomes 0.00013 and 0.00026; ExAC 0.00024; gnomAD 0.00012; ESP Exome Variant Server 0.00038.
gnomAD v4.1: 223 of 1,613,824 alleles (0.014%); highest among the groups gnomAD compares: Middle Eastern, 0.016%; no homozygotes.

Submissions (4):

Labcorp Genetics (formerly Invitae), Labcorp
Classification: Benign. Last evaluated: 2026-01-19. Review status: criteria provided, single submitter. Criteria: Invitae Variant Classification Sherloc (09022015). Collection method: clinical testing. Allele origin: germline.

Blueprint Genetics
Classification: Likely benign. Last evaluated: 2024-10-23. Review status: criteria provided, single submitter. Criteria: ACMG Guidelines, 2015. Collection method: clinical testing. Allele origin: germline.

Baylor Genetics
Classification: Uncertain significance for Hennekam lymphangiectasia-lymphedema syndrome 2. Last evaluated: 2018-03-22. Review status: criteria provided, single submitter. Criteria: ACMG Guidelines, 2015. Collection method: clinical testing. Allele origin: maternal. Affected: yes.
Comment: This variant was determined to be of uncertain significance according to ACMG Guidelines, 2015 [PMID:25741868].

PreventionGenetics, part of Exact Sciences
Classification: Likely benign for FAT4-related condition. Last evaluated: 2022-07-20. Review status: no assertion criteria provided. Collection method: clinical testing. Allele origin: germline. Not counted in ClinVar's aggregate classification.
Comment: This variant is classified as likely benign based on ACMG/AMP sequence variant interpretation guidelines (Richards et al. 2015 PMID: 25741868, with internal and published modifications).

NM_001291303.3(FAT4):c.8313T>C (p.Asn2771=)

Gene: FAT4 (FAT atypical cadherin 4; plus strand). Cytogenetic location: 4q28.1.
Variant type: single nucleotide variant.
Coding change: c.8313T>C on transcript NM_001291303.3 (MANE Select); coding-DNA position 8313, T replaced by C.
Protein change: p.Asn2771=; no amino-acid change (asparagine 2771 retained).
Molecular consequence: synonymous variant.
Genome position (GRCh38, 1-based): chr4:125,449,323, T>C. VCF-style: chr4-125449323-T-C. GRCh37 (hg19) VCF-style: chr4-126370478-T-C.
Other names: c.8313T>C, p.Asn2771= (NM_001291285.3); c.8307T>C, p.Asn2769= (NM_024582.6).
Identifiers: ClinVar variation 1032176 (VCV001032176.11), dbSNP rs148344513, ClinGen allele CA3073345.